The following is an entry in ClinVar:

ClinVar aggregate classification (germline): Uncertain significance (1 of 4 stars; one submission).

Submission:

CeGaT Center for Human Genetics Tuebingen
Classification: Uncertain significance. Last evaluated: 2024-10-01. Review status: criteria provided, single submitter. Criteria: CeGaT Center For Human Genetics Tuebingen Variant Classification Criteria Version 2. Collection method: clinical testing. Allele origin: germline. Affected: yes. Observed: 1 variant allele.
Comment: SOHLH1: PM2, BP4

NM_001101677.2(SOHLH1):c.545A>G (p.His182Arg)

Gene: SOHLH1 (spermatogenesis and oogenesis specific basic helix-loop-helix 1; minus strand). Cytogenetic location: 9q34.3.
Variant type: single nucleotide variant.
Coding change: c.545A>G on transcript NM_001101677.2 (MANE Select); coding-DNA position 545, A replaced by G.
Protein change: p.His182Arg; replaces histidine 182 with arginine.
Molecular consequence: missense variant.
Genome position (GRCh38, 1-based): chr9:135,696,728, T>C on the plus strand (A>G on the coding strand, the complement: SOHLH1 is on the minus strand). VCF-style: chr9-135696728-T-C. GRCh37 (hg19) VCF-style: chr9-138588574-T-C.
Other names: c.545A>G, p.His182Arg (NM_001012415.3); short protein forms H182R.
Identifiers: ClinVar variation 3389533 (VCV003389533.14).